The following is an entry in ClinVar:

ClinVar aggregate classification (germline): Uncertain significance. Review status: criteria provided, multiple submitters, no conflicts (2 of 4 stars). 2 submissions from 2 submitters: Uncertain significance (2). Last evaluated 2025-05-09.

Conditions:
SAMD14-related disorder. Also called: SAMD14-related condition.

Submissions (2):

PreventionGenetics, part of Exact Sciences
Classification: Uncertain significance for SAMD14-related condition. Last evaluated: 2025-05-09. Review status: criteria provided, single submitter. Criteria: ACMG Guidelines, 2015. Collection method: clinical testing. Allele origin: germline.
Comment: The SAMD14 c.1307G>A variant is predicted to result in the amino acid substitution p.Arg436Gln. To our knowledge, this variant has not been reported in the literature. This variant is reported in 0.013% of alleles in individuals of South Asian descent in gnomAD. At the time of reporting, this variant is absent from the ClinVar database. Although we suspect that this variant may be benign, at this time, the clinical significance of this variant is uncertain due to the absence of conclusive functional and genetic evidence.

Ambry Genetics
Classification: Uncertain significance. Last evaluated: 2024-07-22. Review status: criteria provided, single submitter. Criteria: Ambry Variant Classification Scheme 2023. Collection method: clinical testing. Allele origin: germline.

NM_001257359.2(SAMD14):c.1223G>A (p.Arg408Gln)

Gene: SAMD14 (sterile alpha motif domain containing 14; minus strand). Cytogenetic location: 17q21.33.
Variant type: single nucleotide variant.
Coding change: c.1223G>A on transcript NM_001257359.2 (MANE Select); coding-DNA position 1223, G replaced by A.
Protein change: p.Arg408Gln; replaces arginine 408 with glutamine.
Molecular consequence: missense variant.
Genome position (GRCh38, 1-based): chr17:50,112,924, C>T on the plus strand (G>A on the coding strand, the complement: SAMD14 is on the minus strand). VCF-style: chr17-50112924-C-T. GRCh37 (hg19) VCF-style: chr17-48190288-C-T.
Other names: c.1307G>A, p.Arg436Gln (NM_174920.4); c.1307G>A (NM_174920.3); short protein forms R436Q, R408Q.
Identifiers: ClinVar variation 3436948 (VCV003436948.2).